The following is an entry in ClinVar:

ClinVar aggregate classification (germline): Likely benign. Review status: criteria provided, multiple submitters, no conflicts (2 of 4 stars). 7 submissions from 7 submitters: Likely benign (6). 1 of the submissions does not count toward it. Last evaluated 2025-04-24.

Conditions:
Cardiovascular phenotype. Identifiers: MedGen CN230736.
SOS2-related disorder. Also called: SOS2-related condition.
Noonan syndrome 9 (NS9). Identifiers: Orphanet 648, MedGen C4225282, MONDO:0014691, OMIM 616559.

Allele frequency attached by ClinVar (database versions not stated): TOPMed 0.00001; gnomAD exomes 0.00002 and 0.00013; ExAC 0.00003; gnomAD 0.00003 and 0.00006; 1000 Genomes Project 30x 0.00016; 1000 Genomes Project 0.00020.
gnomAD v4.1: 194 of 1,606,964 alleles (0.012%); highest among the groups gnomAD compares: East Asian, 0.43%; 2 homozygotes.

Submissions (7):

Labcorp Genetics (formerly Invitae), Labcorp
Classification: Likely benign for Noonan syndrome 9. Last evaluated: 2025-04-24. Review status: criteria provided, single submitter. Criteria: Invitae Variant Classification Sherloc (09022015). Collection method: clinical testing. Allele origin: germline.

Mayo Clinic Laboratories, Mayo Clinic
Classification: Likely benign. Last evaluated: 2025-01-10. Review status: criteria provided, single submitter. Criteria: ACMG Guidelines, 2015. Collection method: clinical testing. Allele origin: germline. Observed: 1 variant allele.
Comment: BS1, BP4, BP7

Women's Health and Genetics/Laboratory Corporation of America, LabCorp
Classification: Likely benign. Last evaluated: 2024-08-11. Review status: criteria provided, single submitter. Criteria: LabCorp Variant Classification Summary - May 2015. Collection method: clinical testing. Allele origin: germline.

Blueprint Genetics
Classification: Likely benign. Last evaluated: 2024-05-23. Review status: criteria provided, single submitter. Criteria: ACMG Guidelines, 2015. Collection method: clinical testing. Allele origin: germline.

Ambry Genetics
Classification: Likely benign for Cardiovascular phenotype. Last evaluated: 2020-03-16. Review status: criteria provided, single submitter. Criteria: Ambry Variant Classification Scheme 2023. Collection method: clinical testing. Allele origin: germline.

Genome-Nilou Lab
Classification: Likely benign for Noonan syndrome 9. Review status: criteria provided, single submitter. Criteria: ACMG Guidelines, 2015. Collection method: clinical testing. Allele origin: germline.

PreventionGenetics, part of Exact Sciences
Classification: Likely benign for SOS2-related condition. Last evaluated: 2020-04-24. Review status: no assertion criteria provided. Collection method: clinical testing. Allele origin: germline. Not counted in ClinVar's aggregate classification.
Comment: This variant is classified as likely benign based on ACMG/AMP sequence variant interpretation guidelines (Richards et al. 2015 PMID: 25741868, with internal and published modifications).

NM_006939.4(SOS2):c.540C>T (p.Asp180=)

Gene: SOS2 (SOS Ras/Rho guanine nucleotide exchange factor 2; minus strand). Cytogenetic location: 14q21.3.
Variant type: single nucleotide variant.
Coding change: c.540C>T on transcript NM_006939.4 (MANE Select); coding-DNA position 540, C replaced by T.
Protein change: p.Asp180=; no amino-acid change (aspartic acid 180 retained).
Molecular consequence: synonymous variant.
Genome position (GRCh38, 1-based): chr14:50,188,671, G>A on the plus strand (C>T on the coding strand, the complement: SOS2 is on the minus strand). VCF-style: chr14-50188671-G-A. GRCh37 (hg19) VCF-style: chr14-50655389-G-A.
Other names: p.Asp180=; c.540C>T (NM_006939.3).
Identifiers: ClinVar variation 779798 (VCV000779798.16), dbSNP rs189555369, ClinGen allele CA7177506.